The following is an entry in ClinVar:

NM_022765.4(MICAL1):c.2474C>G (p.Pro825Arg)

Gene: MICAL1 (microtubule associated monooxygenase, calponin and LIM domain containing 1; minus strand). Cytogenetic location: 6q21.
Variant type: single nucleotide variant.
Coding change: c.2474C>G on transcript NM_022765.4 (MANE Select); coding-DNA position 2474, C replaced by G.
Protein change: p.Pro825Arg; replaces proline 825 with arginine.
Molecular consequence: missense variant.
Genome position (GRCh38, 1-based): chr6:109,446,243, G>C on the plus strand (C>G on the coding strand, the complement: MICAL1 is on the minus strand). VCF-style: chr6-109446243-G-C. GRCh37 (hg19) VCF-style: chr6-109767446-G-C.
Other names: c.2216C>G, p.Pro739Arg (NM_001159291.2); c.2531C>G, p.Pro844Arg (NM_001286613.2); short protein forms P739R, P825R, P844R.
Identifiers: ClinVar variation 4718389 (VCV004718389.1).

ClinVar aggregate classification (germline): Uncertain significance (1 of 4 stars; one submission).

Submission:

Labcorp Genetics (formerly Invitae), Labcorp
Classification: Uncertain significance. Last evaluated: 2025-05-01. Review status: criteria provided, single submitter. Criteria: Invitae Variant Classification Sherloc (09022015). Collection method: clinical testing. Allele origin: germline.
Comment: This sequence change replaces proline, which is neutral and non-polar, with arginine, which is basic and polar, at codon 844 of the MICAL1 protein (p.Pro844Arg). This variant is not present in population databases (gnomAD no frequency). This variant has not been reported in the literature in individuals affected with MICAL1-related conditions. An algorithm developed to predict the effect of missense changes on protein structure and function (PolyPhen-2) suggests that this variant is likely to be tolerated. In summary, the available evidence is currently insufficient to determine the role of this variant in disease. Therefore, it has been classified as a Variant of Uncertain Significance.